The following is an entry in ClinVar:

ClinVar aggregate classification (germline): Pathogenic/Likely pathogenic. Review status: criteria provided, multiple submitters, no conflicts (2 of 4 stars). 2 submissions from 2 submitters: Pathogenic (1); Likely pathogenic (1). Last evaluated 2022-10-26.

Conditions:
SYNJ1-related disorder. Also called: SYNJ1-related condition.
Developmental and epileptic encephalopathy, 53. Also called: Epileptic encephalopathy, early infantile, 53. Identifiers: MedGen C4479313, MONDO:0033362, OMIM 617389.
Early-onset Parkinson disease 20. Also called: PARKINSON DISEASE 20, AUTOSOMAL RECESSIVE EARLY-ONSET. Identifiers: Orphanet 391411, MedGen C3809824, MONDO:0014233, OMIM 615530.

Allele frequency attached by ClinVar (database versions not stated): gnomAD exomes 0.00001.
gnomAD v4.1: 5 of 1,609,376 alleles (0.00031%); highest among the groups gnomAD compares: Non-Finnish European, 0.00042%; no homozygotes.

Submissions (2):

Labcorp Genetics (formerly Invitae), Labcorp
Classification: Pathogenic for Developmental and epileptic encephalopathy, 53; Early-onset Parkinson disease 20. Last evaluated: 2022-10-26. Review status: criteria provided, single submitter. Criteria: Invitae Variant Classification Sherloc (09022015). Collection method: clinical testing. Allele origin: germline.
Comment: For these reasons, this variant has been classified as Pathogenic. Algorithms developed to predict the effect of sequence changes on RNA splicing suggest that this variant may disrupt the consensus splice site. This variant has not been reported in the literature in individuals affected with SYNJ1-related conditions. This variant is not present in population databases (gnomAD no frequency). This sequence change creates a premature translational stop signal (p.Arg748*) in the SYNJ1 gene. It is expected to result in an absent or disrupted protein product. Loss-of-function variants in SYNJ1 are known to be pathogenic (PMID: 25316601, 27435091).

Blueprint Genetics
Classification: Likely pathogenic for SYNJ1-related disorders. Last evaluated: 2019-09-03. Review status: criteria provided, single submitter. Criteria: ACMG Guidelines, 2015. Collection method: clinical testing. Allele origin: germline. Affected: yes. Observed: 1 variant allele.

Literature cited by the submitters: PubMed 25316601 (cited by Labcorp Genetics (formerly Invitae), Labcorp); PubMed 27435091 (cited by Labcorp Genetics (formerly Invitae), Labcorp).

NM_203446.3(SYNJ1):c.2125C>T (p.Arg709Ter)

Gene: SYNJ1 (synaptojanin 1; minus strand). Cytogenetic location: 21q22.11.
Variant type: single nucleotide variant.
Coding change: c.2125C>T on transcript NM_203446.3 (MANE Select); coding-DNA position 2125, C replaced by T.
Protein change: p.Arg709Ter; replaces arginine 709 with a stop codon.
Molecular consequence: nonsense.
Genome position (GRCh38, 1-based): chr21:32,665,963, G>A on the plus strand (C>T on the coding strand, the complement: SYNJ1 is on the minus strand). VCF-style: chr21-32665963-G-A. GRCh37 (hg19) VCF-style: chr21-34038273-G-A.
Other names: c.2125C>T, p.Arg709Ter (NM_001160302.2); c.2110C>T, p.Arg704Ter (NM_001160306.2); c.2242C>T, p.Arg748Ter (NM_003895.4); short protein forms R704*, R748*, R709*.
Identifiers: ClinVar variation 1954917 (VCV001954917.6), dbSNP rs2040913777, ClinGen allele CA410079073.
Genomic context (GRCh38, chr21:32,665,963, plus strand): 5'-TTCAAAGCTTTATCTTCAAGAACAAGCAGCAAGAGCTTACCATAGGAAAACTCAATTTTC[G>A]TGCTATTTCTATAAAATCTTCATTTCTTTCTTTGACTTGTGACTGCCCTGCAGCAAAGTG-3'